The following is an entry in ClinVar:

ClinVar aggregate classification (germline): Uncertain significance (1 of 4 stars; one submission).

Conditions:
Primary familial hypertrophic cardiomyopathy (HCM). Identifiers: Orphanet 99739, MedGen C0949658, MeSH D024741, MONDO:0024573. Inheritance: Various modes of inheritance.

Allele frequency attached by ClinVar (database versions not stated): gnomAD 0.00003 and 0.00004; gnomAD exomes 0.00004; TOPMed 0.00004; ExAC 0.00007.
gnomAD v4.1: 72 of 1,613,998 alleles (0.0045%); highest among the groups gnomAD compares: Middle Eastern, 0.066%; no homozygotes.

Submission:

Labcorp Genetics (formerly Invitae), Labcorp
Classification: Uncertain significance for Primary familial hypertrophic cardiomyopathy. Last evaluated: 2025-02-26. Review status: criteria provided, single submitter. Criteria: Invitae Variant Classification Sherloc (09022015). Collection method: clinical testing. Allele origin: germline.
Comment: This sequence change replaces alanine, which is neutral and non-polar, with serine, which is neutral and polar, at codon 124 of the ILK protein (p.Ala124Ser). This variant is present in population databases (rs745709169, gnomAD 0.03%). This missense change has been observed in individual(s) with dilated cardiomyopathy (PMID: 25163546). ClinVar contains an entry for this variant (Variation ID: 1364215). An algorithm developed to predict the effect of missense changes on protein structure and function (PolyPhen-2) suggests that this variant is likely to be tolerated. In summary, the available evidence is currently insufficient to determine the role of this variant in disease. Therefore, it has been classified as a Variant of Uncertain Significance.

Literature cited by the submitters: PubMed 25163546.

NM_004517.4(ILK):c.370G>T (p.Ala124Ser)

Genes: TAF10 (TATA-box binding protein associated factor 10; minus strand), ILK (integrin linked kinase; plus strand). Cytogenetic location: 11p15.4.
Variant type: single nucleotide variant.
Coding change: c.370G>T on transcript NM_004517.4 (MANE Select); coding-DNA position 370, G replaced by T.
Protein change: p.Ala124Ser; replaces alanine 124 with serine.
Molecular consequence: missense variant. On other transcripts: 5 prime UTR variant (1), 3 prime UTR variant (1), intron variant (1).
Genome position (GRCh38, 1-based): chr11:6,608,712, G>T. VCF-style: chr11-6608712-G-T. GRCh37 (hg19) VCF-style: chr11-6629942-G-T.
Other names: c.370G>T, p.Ala124Ser (NM_001014794.3, NM_001014795.3); c.-33G>T (NM_001278442.2); c.*2210C>A (NM_006284.4); c.352-172G>T (NM_001278441.2); short protein forms A124S.
Identifiers: ClinVar variation 1364215 (VCV001364215.6), dbSNP rs745709169, ClinGen allele CA5858031.